The following is an entry in ClinVar:

NM_004628.5(XPC):c.205G>C (p.Gly69Arg)

Gene: XPC (XPC complex subunit, DNA damage recognition and repair factor; minus strand). Cytogenetic location: 3p25.1.
Variant type: single nucleotide variant.
Coding change: c.205G>C on transcript NM_004628.5 (MANE Select); coding-DNA position 205, G replaced by C.
Protein change: p.Gly69Arg; replaces glycine 69 with arginine.
Molecular consequence: missense variant. On other transcripts: 5 prime UTR variant (1), non-coding transcript variant (2).
Genome position (GRCh38, 1-based): chr3:14,172,961, C>G on the plus strand (G>C on the coding strand, the complement: XPC is on the minus strand). VCF-style: chr3-14172961-C-G. GRCh37 (hg19) VCF-style: chr3-14214461-C-G.
Other names: c.-251G>C (NM_001354726.2); c.205G>C, p.Gly69Arg (NM_001354727.2, NM_001354730.2); c.187G>C, p.Gly63Arg (NM_001354729.2); short protein forms G63R, G69R.
Identifiers: ClinVar variation 1692821 (VCV001692821.2), dbSNP rs533660155, ClinGen allele CA2267777.

ClinVar aggregate classification (germline): Uncertain significance. Review status: criteria provided, multiple submitters, no conflicts (2 of 4 stars). 2 submissions from 2 submitters: Uncertain significance (2). Last evaluated 2022-02-09.

Conditions:
Xeroderma pigmentosum, group C (XPC). Also called: XPC-Related Xeroderma Pigmentosum; Xeroderma pigmentosum, complementation group C; XERODERMA PIGMENTOSUM III; XP, GROUP C. Identifiers: Orphanet 910, MedGen C2752147, MONDO:0010211, OMIM 278720.
Xeroderma pigmentosum (XP). Identifiers: Orphanet 910, MedGen C0043346, MONDO:0019600.

Allele frequency attached by ClinVar (database versions not stated): gnomAD exomes below 0.00001 and 0.00002; gnomAD 0.00001 and 0.00002; TOPMed 0.00001; ExAC 0.00002; 1000 Genomes Project 0.00020; 1000 Genomes Project 30x 0.00031.
gnomAD v4.1: 33 of 1,613,900 alleles (0.002%); highest among the groups gnomAD compares: Non-Finnish European, 0.0028%; no homozygotes.

Submissions (2):

Sema4
Classification: Uncertain significance for Xeroderma pigmentosum. Last evaluated: 2022-02-09. Review status: criteria provided, single submitter. Criteria: Sema4 Curation Guidelines. Collection method: curation. Allele origin: germline.
Comment: The XPC c.205G>C (p.G69R) variant has been reported in at least 1 individual with kidney cancer (PMID: 29684080). This variant was observed in 1/112960 chromosomes in the Non-Finnish European population, according to the Genome Aggregation Database (PMID: 32461654). The variant has not been reported in ClinVar. Functional studies have not been performed, and in silico predictions of the variant's effect on protein function are inconclusive. The evidence is insufficient to meet ACMG/AMP criteria for classifying the variant as benign or pathogenic. Thus, the clinical significance of this variant is currently uncertain.

Fulgent Genetics
Classification: Uncertain significance for Xeroderma pigmentosum, group C. Last evaluated: 2021-07-28. Review status: criteria provided, single submitter. Criteria: ACMG Guidelines, 2015. Collection method: clinical testing. Allele origin: unknown.

Literature cited by the submitters: PubMed 29684080 (cited by Sema4).